The following is an entry in ClinVar:

NM_020964.3(EPG5):c.3145G>T (p.Val1049Phe)

Gene: EPG5 (ectopic P-granules 5 autophagy tethering factor; minus strand). Cytogenetic location: 18q21.1.
Variant type: single nucleotide variant.
Coding change: c.3145G>T on transcript NM_020964.3 (MANE Select); coding-DNA position 3145, G replaced by T.
Protein change: p.Val1049Phe; replaces valine 1049 with phenylalanine.
Molecular consequence: missense variant.
Genome position (GRCh38, 1-based): chr18:45,917,773, C>A on the plus strand (G>T on the coding strand, the complement: EPG5 is on the minus strand). VCF-style: chr18-45917773-C-A. GRCh37 (hg19) VCF-style: chr18-43497738-C-A.
Other names: short protein forms V1049F.
Identifiers: ClinVar variation 1053988 (VCV001053988.10), dbSNP rs2145725033, ClinGen allele CA402343686.
Genomic context (GRCh38, chr18:45,917,773, plus strand): 5'-AAAATAAAGGCAGAATCTTATCCAGGACATGAACCACTGTTCTCAAATGTCTTGACTGGA[C>A]CAGAATTCCCAATAGTGGGATGCCTTCTGCACAGAACTTCTCAATGCTATGGAAAAAGAG-3'
Protein context (NP_066015.2, residues 1039-1059): AEGIPLLGIL[Val1049Phe]QSRHLRTVVH

ClinVar aggregate classification (germline): Uncertain significance (1 of 4 stars; one submission).

Conditions:
Vici syndrome (VICIS). Identifiers: Orphanet 1493, MedGen C1855772, MONDO:0009452, OMIM 242840.

Submission:

Labcorp Genetics (formerly Invitae), Labcorp
Classification: Uncertain significance for Vici syndrome. Last evaluated: 2020-02-19. Review status: criteria provided, single submitter. Criteria: Invitae Variant Classification Sherloc (09022015). Collection method: clinical testing. Allele origin: germline.
Comment: This sequence change replaces valine with phenylalanine at codon 1049 of the EPG5 protein (p.Val1049Phe). The valine residue is moderately conserved and there is a small physicochemical difference between valine and phenylalanine. This variant is not present in population databases (ExAC no frequency). This variant has not been reported in the literature in individuals with EPG5-related conditions. Algorithms developed to predict the effect of missense changes on protein structure and function are either unavailable or do not agree on the potential impact of this missense change (SIFT: "Deleterious"; PolyPhen-2: "Benign"; Align-GVGD: "Class C0"). In summary, the available evidence is currently insufficient to determine the role of this variant in disease. Therefore, it has been classified as a Variant of Uncertain Significance.